The following is an entry in ClinVar:

ClinVar aggregate classification (germline): Benign (1 of 4 stars; one submission).

Conditions:
Pheochromocytoma/paraganglioma syndrome 4. Also called: CAROTID BODY TUMORS AND MULTIPLE EXTRAADRENAL PHEOCHROMOCYTOMAS; PARAGANGLIOMA, FAMILIAL MALIGNANT; PARAGANGLIOMAS, HEREDITARY EXTRAADRENAL; PHEOCHROMOCYTOMA, FAMILIAL EXTRAADRENAL; Paragangliomas 4; SDHB-Related Hereditary Paraganglioma-Pheochromocytoma Syndrome (Paragangliomas 4). Identifiers: Orphanet 29072, MedGen C1861848, MONDO:0007273, OMIM 115310.

Submission:

Myriad Genetics, Inc.
Classification: Benign for Pheochromocytoma/paraganglioma syndrome 4. Last evaluated: 2025-03-12. Review status: criteria provided, single submitter. Criteria: Myriad Autosomal Dominant, Autosomal Recessive and X-Linked Classification Criteria (2023). Collection method: clinical testing. Allele origin: unknown.
Comment: This variant is considered benign. This variant is a silent/synonymous amino acid change and it is not expected to impact splicing.

NM_003000.3(SDHB):c.18_21delinsACTA (p.Ala6_Leu7=)

Gene: SDHB (succinate dehydrogenase complex iron sulfur subunit B; minus strand). Cytogenetic location: 1p36.13.
Variant type: Indel.
Coding change: c.18_21delinsACTA on transcript NM_003000.3 (MANE Select); coding-DNA positions 18 to 21, CCTC replaced by ACTA.
Protein change: p.Ala6_Leu7=.
Molecular consequence: synonymous variant.
Genome position (GRCh38, 1-based): chr1:17,053,999-17,054,002, GAGG replaced by TAGT on the plus strand (CCTC replaced by ACTA on the coding strand, the reverse complement: SDHB is on the minus strand). VCF-style: chr1-17053999-GAGG-TAGT. GRCh37 (hg19) VCF-style: chr1-17380494-GAGG-TAGT.
Other names: c.18_21delinsACTA, p.Ala6_Leu7= (NM_001407361.1).
Identifiers: ClinVar variation 3904570 (VCV003904570.1).